The following is an entry in ClinVar:

ClinVar aggregate classification (germline): Uncertain significance (1 of 4 stars; one submission).

Allele frequency attached by ClinVar (database versions not stated): ExAC 0.00001; gnomAD exomes 0.00001; TOPMed 0.00002; ESP Exome Variant Server 0.00008.

Submission:

Labcorp Genetics (formerly Invitae), Labcorp
Classification: Uncertain significance. Last evaluated: 2023-12-13. Review status: criteria provided, single submitter. Criteria: Invitae Variant Classification Sherloc (09022015). Collection method: clinical testing. Allele origin: germline.
Comment: This sequence change replaces arginine, which is basic and polar, with tryptophan, which is neutral and slightly polar, at codon 839 of the RNF31 protein (p.Arg839Trp). This variant is present in population databases (rs370535985, gnomAD 0.002%). This variant has not been reported in the literature in individuals affected with RNF31-related conditions. An algorithm developed to predict the effect of missense changes on protein structure and function (PolyPhen-2) suggests that this variant is likely to be disruptive. In summary, the available evidence is currently insufficient to determine the role of this variant in disease. Therefore, it has been classified as a Variant of Uncertain Significance.

NM_017999.5(RNF31):c.2515C>T (p.Arg839Trp)

Gene: RNF31 (ring finger protein 31; plus strand). Cytogenetic location: 14q12.
Variant type: single nucleotide variant.
Coding change: c.2515C>T on transcript NM_017999.5 (MANE Select); coding-DNA position 2515, C replaced by T.
Protein change: p.Arg839Trp; replaces arginine 839 with tryptophan.
Molecular consequence: missense variant.
Genome position (GRCh38, 1-based): chr14:24,157,311, C>T. VCF-style: chr14-24157311-C-T. GRCh37 (hg19) VCF-style: chr14-24626520-C-T.
Other names: c.2062C>T, p.Arg688Trp (NM_001310332.2); short protein forms R839W, R688W.
Identifiers: ClinVar variation 2977302 (VCV002977302.3), dbSNP rs370535985, ClinGen allele CA7126087.